The following is an entry in ClinVar:

ClinVar aggregate classification (germline): Uncertain significance (1 of 4 stars; one submission).

Conditions:
Neuroblastoma, susceptibility to, 3. Also called: ALK-Related Neuroblastic Tumor Susceptibility. Identifiers: Orphanet 635, MedGen C2751681, MONDO:0013083, OMIM 613014.

Submission:

Labcorp Genetics (formerly Invitae), Labcorp
Classification: Uncertain significance for Neuroblastoma, susceptibility to, 3. Last evaluated: 2025-04-07. Review status: criteria provided, single submitter. Criteria: Invitae Variant Classification Sherloc (09022015). Collection method: clinical testing. Allele origin: germline.
Comment: This sequence change replaces glycine, which is neutral and non-polar, with arginine, which is basic and polar, at codon 199 of the ALK protein (p.Gly199Arg). This variant is not present in population databases (gnomAD no frequency). This variant has not been reported in the literature in individuals affected with ALK-related conditions. An algorithm developed to predict the effect of missense changes on protein structure and function (PolyPhen-2) suggests that this variant is likely to be disruptive. In summary, the available evidence is currently insufficient to determine the role of this variant in disease. Therefore, it has been classified as a Variant of Uncertain Significance.

NM_004304.5(ALK):c.595G>C (p.Gly199Arg)

Gene: ALK (ALK receptor tyrosine kinase; minus strand). Cytogenetic location: 2p23.1.
Variant type: single nucleotide variant.
Coding change: c.595G>C on transcript NM_004304.5 (MANE Select); coding-DNA position 595, G replaced by C.
Protein change: p.Gly199Arg; replaces glycine 199 with arginine.
Molecular consequence: missense variant.
Genome position (GRCh38, 1-based): chr2:29,920,065, C>G on the plus strand (G>C on the coding strand, the complement: ALK is on the minus strand). VCF-style: chr2-29920065-C-G. GRCh37 (hg19) VCF-style: chr2-30142931-C-G.
Other names: short protein forms G199R.
Identifiers: ClinVar variation 4809616 (VCV004809616.1).